The following is an entry in ClinVar:

NM_000213.5(ITGB4):c.999C>T (p.Tyr333=)

Gene: ITGB4 (integrin subunit beta 4; plus strand). Cytogenetic location: 17q25.1.
Variant type: single nucleotide variant.
Coding change: c.999C>T on transcript NM_000213.5 (MANE Select); coding-DNA position 999, C replaced by T.
Protein change: p.Tyr333=; no amino-acid change (tyrosine 333 retained).
Molecular consequence: synonymous variant.
Genome position (GRCh38, 1-based): chr17:75,730,501, C>T. VCF-style: chr17-75730501-C-T. GRCh37 (hg19) VCF-style: chr17-73726582-C-T.
Other names: c.999C>T, p.Tyr333= (NM_001005619.2, NM_001005731.3, NM_001321123.2).
Identifiers: ClinVar variation 734100 (VCV000734100.31), dbSNP rs141725299, ClinGen allele CA8768825.

ClinVar aggregate classification (germline): Likely benign. Review status: criteria provided, multiple submitters, no conflicts (2 of 4 stars). 3 submissions from 3 submitters: Likely benign (3). Last evaluated 2024-12-23.

Allele frequency attached by ClinVar (database versions not stated): gnomAD exomes 0.00010 and 0.00022; ExAC 0.00012; TOPMed 0.00012; gnomAD 0.00015 and 0.00017; ESP Exome Variant Server 0.00046.
gnomAD v4.1: 334 of 1,613,550 alleles (0.021%); highest among the groups gnomAD compares: Non-Finnish European, 0.027%; no homozygotes.

Submissions (3):

Labcorp Genetics (formerly Invitae), Labcorp
Classification: Likely benign. Last evaluated: 2024-12-23. Review status: criteria provided, single submitter. Criteria: Invitae Variant Classification Sherloc (09022015). Collection method: clinical testing. Allele origin: germline.

CeGaT Center for Human Genetics Tuebingen
Classification: Likely benign. Last evaluated: 2022-11-01. Review status: criteria provided, single submitter. Criteria: CeGaT Center For Human Genetics Tuebingen Variant Classification Criteria Version 2. Collection method: clinical testing. Allele origin: germline. Affected: yes. Observed: 1 variant allele.
Comment: ITGB4: BP4, BP7

Breakthrough Genomics
Classification: Likely benign. Review status: criteria provided, single submitter. Criteria: ACMG Guidelines, 2015. Collection method: not provided. Allele origin: germline. Inheritance: Autosomal recessive inheritance. Affected: yes.